The following is an entry in ClinVar:

NM_001042492.3(NF1):c.6212A>G (p.Gln2071Arg)

Gene: NF1 (neurofibromin 1; plus strand). Cytogenetic location: 17q11.2.
Variant type: single nucleotide variant.
Coding change: c.6212A>G on transcript NM_001042492.3 (MANE Select); coding-DNA position 6212, A replaced by G.
Protein change: p.Gln2071Arg; replaces glutamine 2071 with arginine.
Molecular consequence: missense variant.
Genome position (GRCh38, 1-based): chr17:31,336,699, A>G. VCF-style: chr17-31336699-A-G. GRCh37 (hg19) VCF-style: chr17-29663717-A-G.
Other names: c.6149A>G, p.Gln2050Arg (NM_000267.4); short protein forms Q2071R, Q2050R.
Identifiers: ClinVar variation 646852 (VCV000646852.9), dbSNP rs1597842800, ClinGen allele CA399011921.

ClinVar aggregate classification (germline): Uncertain significance. Review status: criteria provided, multiple submitters, no conflicts (2 of 4 stars). 2 submissions from 2 submitters: Uncertain significance (2). Last evaluated 2023-02-10.

Conditions:
Cardiovascular phenotype. Identifiers: MedGen CN230736.
Hereditary cancer-predisposing syndrome. Also called: Hereditary Cancer Syndrome; Tumor predisposition; Neoplastic Syndromes, Hereditary; Hereditary neoplastic syndrome. Identifiers: Orphanet 140162, MedGen C0027672, MeSH D009386, MONDO:0015356.
Neurofibromatosis, type 1 (NF1). Also called: VON RECKLINGHAUSEN DISEASE; Neurofibromatosis, type I; NEUROFIBROMATOSIS, TYPE I, SOMATIC; Peripheral type neurofibromatosis. Identifiers: Orphanet 636, MedGen C0027831, MONDO:0018975, OMIM 162200. Disease mechanism: loss of function.

Allele frequency attached by ClinVar (database versions not stated): gnomAD exomes below 0.00001.
gnomAD v4.1: 1 of 1,614,012 alleles (0.000062%); highest among the groups gnomAD compares: Non-Finnish European, 0.000085%; no homozygotes.

Submissions (2):

Ambry Genetics
Classification: Uncertain significance for Cardiovascular phenotype; Hereditary cancer-predisposing syndrome. Last evaluated: 2023-02-10. Review status: criteria provided, single submitter. Criteria: Ambry Variant Classification Scheme 2023. Collection method: clinical testing. Allele origin: germline.
Comment: The p.Q2050R variant (also known as c.6149A>G), located in coding exon 41 of the NF1 gene, results from an A to G substitution at nucleotide position 6149. The glutamine at codon 2050 is replaced by arginine, an amino acid with highly similar properties. This amino acid position is conserved. In addition, the in silico prediction for this alteration is inconclusive. Since supporting evidence is limited at this time, the clinical significance of this alteration remains unclear.

Labcorp Genetics (formerly Invitae), Labcorp
Classification: Uncertain significance for Neurofibromatosis, type 1. Last evaluated: 2019-09-09. Review status: criteria provided, single submitter. Criteria: Invitae Variant Classification Sherloc (09022015). Collection method: clinical testing. Allele origin: germline.
Comment: In summary, the available evidence is currently insufficient to determine the role of this variant in disease. Therefore, it has been classified as a Variant of Uncertain Significance. Algorithms developed to predict the effect of missense changes on protein structure and function are either unavailable or do not agree on the potential impact of this missense change (SIFT: "Tolerated"; PolyPhen-2: "Probably Damaging"; Align-GVGD: "Class C0"). This variant has not been reported in the literature in individuals with NF1-related disease. This variant is not present in population databases (ExAC no frequency). This sequence change replaces glutamine with arginine at codon 2050 of the NF1 protein (p.Gln2050Arg). The glutamine residue is moderately conserved and there is a small physicochemical difference between glutamine and arginine.